The following is an entry in ClinVar:

ClinVar aggregate classification (germline): Uncertain significance. Review status: criteria provided, multiple submitters, no conflicts (2 of 4 stars). 2 submissions from 2 submitters: Uncertain significance (2). Last evaluated 2024-10-14.

Allele frequency attached by ClinVar (database versions not stated): TOPMed 0.00002; gnomAD 0.00003; ExAC 0.00004; gnomAD exomes 0.00006.
gnomAD v4.1: 88 of 1,613,970 alleles (0.0055%); highest among the groups gnomAD compares: Non-Finnish European, 0.0063%; no homozygotes.

Submissions (2):

Blueprint Genetics
Classification: Uncertain significance. Last evaluated: 2024-10-14. Review status: criteria provided, single submitter. Criteria: ACMG Guidelines, 2015. Collection method: clinical testing. Allele origin: germline.

Labcorp Genetics (formerly Invitae), Labcorp
Classification: Uncertain significance. Last evaluated: 2022-07-11. Review status: criteria provided, single submitter. Criteria: Invitae Variant Classification Sherloc (09022015). Collection method: clinical testing. Allele origin: germline.
Comment: This sequence change replaces asparagine, which is neutral and polar, with serine, which is neutral and polar, at codon 1298 of the KIAA1549 protein (p.Asn1298Ser). This variant is present in population databases (rs748671904, gnomAD 0.009%). This variant has not been reported in the literature in individuals affected with KIAA1549-related conditions. Algorithms developed to predict the effect of missense changes on protein structure and function output the following: SIFT: "Tolerated"; PolyPhen-2: "Benign"; Align-GVGD: "Class C0". The serine amino acid residue is found in multiple mammalian species, which suggests that this missense change does not adversely affect protein function. In summary, the available evidence is currently insufficient to determine the role of this variant in disease. Therefore, it has been classified as a Variant of Uncertain Significance.

NM_001164665.2(KIAA1549):c.3893A>G (p.Asn1298Ser)

Gene: KIAA1549 (KIAA1549; minus strand). Cytogenetic location: 7q34.
Variant type: single nucleotide variant.
Coding change: c.3893A>G on transcript NM_001164665.2 (MANE Select); coding-DNA position 3893, A replaced by G.
Protein change: p.Asn1298Ser; replaces asparagine 1298 with serine.
Molecular consequence: missense variant.
Genome position (GRCh38, 1-based): chr7:138,894,481, T>C on the plus strand (A>G on the coding strand, the complement: KIAA1549 is on the minus strand). VCF-style: chr7-138894481-T-C. GRCh37 (hg19) VCF-style: chr7-138579227-T-C.
Other names: c.3893A>G, p.Asn1298Ser (NM_020910.3); short protein forms N1298S.
Identifiers: ClinVar variation 2187187 (VCV002187187.2), dbSNP rs748671904, ClinGen allele CA4506071.
Genomic context (GRCh38, chr7:138,894,481, plus strand): 5'-ATGACAACAATCACCATCACCACCAGCACTGGGATGACCACGCCAACAATGACCCACAAG[T>C]TGTTGCTCTGGGATTCCGGAGACGGCCTCTTCACCCTGTCGACAGCTGCAGACAAGGAAG-3'
Protein context (NP_001158137.1, residues 1288-1308): KRPSPESQSN[Asn1298Ser]LWVIVGVVIP